The following is an entry in ClinVar:

ClinVar aggregate classification (germline): Pathogenic (1 of 4 stars; one submission).

Conditions:
Early-infantile DEE. Also called: Ohtahara syndrome; Early infantile epileptic encephalopathy with suppression bursts; Early infantile epileptic encephalopathy. Identifiers: Orphanet 1934, MedGen C0393706, MONDO:0800491.

Submission:

Labcorp Genetics (formerly Invitae), Labcorp
Classification: Pathogenic for Early-infantile DEE. Last evaluated: 2023-01-10. Review status: criteria provided, single submitter. Criteria: Invitae Variant Classification Sherloc (09022015). Collection method: clinical testing. Allele origin: germline.
Comment: For these reasons, this variant has been classified as Pathogenic. This variant has not been reported in the literature in individuals affected with CACNA2D2-related conditions. This variant is not present in population databases (gnomAD no frequency). This sequence change creates a premature translational stop signal (p.Gln1012*) in the CACNA2D2 gene. It is expected to result in an absent or disrupted protein product. Loss-of-function variants in CACNA2D2 are known to be pathogenic (PMID: 24358150).

Literature cited by the submitters: PubMed 24358150.

NM_006030.4(CACNA2D2):c.3034C>T (p.Gln1012Ter)

Genes: CACNA2D2 (calcium voltage-gated channel auxiliary subunit alpha2delta 2; minus strand), LOC101928965 (uncharacterized LOC101928965; plus strand), LOC127898564 (CYB561D2-LOC101928965; plus strand). Cytogenetic location: 3p21.31.
Variant type: single nucleotide variant.
Coding change: c.3034C>T on transcript NM_006030.4 (MANE Select); coding-DNA position 3034, C replaced by T.
Protein change: p.Gln1012Ter; replaces glutamine 1012 with a stop codon.
Molecular consequence: nonsense. On other transcripts: non-coding transcript variant (2).
Genome position (GRCh38, 1-based): chr3:50,365,420, G>A on the plus strand (C>T on the coding strand, the complement: CACNA2D2 is on the minus strand). VCF-style: chr3-50365420-G-A. GRCh37 (hg19) VCF-style: chr3-50402851-G-A.
Other names: c.3034C>T, p.Gln1012Ter (NM_001005505.3); c.3055C>T, p.Gln1019Ter (NM_001174051.3); c.2827C>T, p.Gln943Ter (NM_001291101.1); c.3037C>T, p.Gln1013Ter (NM_001410768.1); short protein forms Q1013*, Q1019*, Q943*, Q1012*.
Identifiers: ClinVar variation 2028993 (VCV002028993.4), dbSNP rs2470976611, ClinGen allele CA352901189.